The following is an entry in ClinVar:

ClinVar aggregate classification (germline): Uncertain significance (1 of 4 stars; one submission).

Conditions:
Argininosuccinate lyase deficiency. Also called: Argininosuccinic aciduria; ARGININOSUCCINIC ACID LYASE DEFICIENCY; ASL DEFICIENCY. Identifiers: Orphanet 23, MedGen C0268547, MONDO:0008815, OMIM 207900, HP:0025630.

Allele frequency attached by ClinVar (database versions not stated): gnomAD exomes 0.00001; TOPMed 0.00001.
gnomAD v4.1: 3 of 1,613,888 alleles (0.00019%); highest among the groups gnomAD compares: Admixed American, 0.005%; no homozygotes.

Submission:

Labcorp Genetics (formerly Invitae), Labcorp
Classification: Uncertain significance for Argininosuccinate lyase deficiency. Last evaluated: 2024-08-05. Review status: criteria provided, single submitter. Criteria: Invitae Variant Classification Sherloc (09022015). Collection method: clinical testing. Allele origin: germline.
Comment: This sequence change replaces threonine, which is neutral and polar, with isoleucine, which is neutral and non-polar, at codon 347 of the ASL protein (p.Thr347Ile). This variant is present in population databases (no rsID available, gnomAD 0.003%). This variant has not been reported in the literature in individuals affected with ASL-related conditions. ClinVar contains an entry for this variant (Variation ID: 1931496). Advanced modeling of protein sequence and biophysical properties (such as structural, functional, and spatial information, amino acid conservation, physicochemical variation, residue mobility, and thermodynamic stability) performed at Invitae indicates that this missense variant is expected to disrupt ASL protein function with a positive predictive value of 95%. In summary, the available evidence is currently insufficient to determine the role of this variant in disease. Therefore, it has been classified as a Variant of Uncertain Significance.

NM_000048.4(ASL):c.1040C>T (p.Thr347Ile)

Gene: ASL (argininosuccinate lyase; plus strand). Cytogenetic location: 7q11.21.
Variant type: single nucleotide variant.
Coding change: c.1040C>T on transcript NM_000048.4 (MANE Select); coding-DNA position 1040, C replaced by T.
Protein change: p.Thr347Ile; replaces threonine 347 with isoleucine.
Molecular consequence: missense variant.
Genome position (GRCh38, 1-based): chr7:66,089,673, C>T. VCF-style: chr7-66089673-C-T. GRCh37 (hg19) VCF-style: chr7-65554660-C-T.
Other names: c.1040C>T, p.Thr347Ile (NM_001024943.2); c.980C>T, p.Thr327Ile (NM_001024944.2); c.962C>T, p.Thr321Ile (NM_001024946.2); short protein forms T321I, T347I, T327I.
Identifiers: ClinVar variation 1931496 (VCV001931496.4), dbSNP rs1331990086, ClinGen allele CA367647447.